The following is an entry in ClinVar:

NM_000051.4(ATM):c.6342C>A (p.Ser2114=)

Genes: C11orf65 (chromosome 11 open reading frame 65; minus strand), ATM (ATM serine/threonine kinase; plus strand). Cytogenetic location: 11q22.3.
Variant type: single nucleotide variant.
Coding change: c.6342C>A on transcript NM_000051.4 (MANE Select); coding-DNA position 6342, C replaced by A.
Protein change: p.Ser2114=; no amino-acid change (serine 2114 retained).
Molecular consequence: synonymous variant. On other transcripts: intron variant (2).
Genome position (GRCh38, 1-based): chr11:108,317,516, C>A. VCF-style: chr11-108317516-C-A. GRCh37 (hg19) VCF-style: chr11-108188243-C-A.
Other names: c.6342C>A, p.Ser2114= (NM_001351834.2); c.641-8445G>T (NM_001330368.2); c.*39-8445G>T (NM_001351110.2).
Identifiers: ClinVar variation 3254155 (VCV003254155.1), dbSNP rs754020535.

ClinVar aggregate classification (germline): Benign (1 of 4 stars; one submission).

Conditions:
Familial cancer of breast. Also called: hereditary breast carcinoma; BREAST CANCER, FAMILIAL; Hereditary breast cancer. Identifiers: Orphanet 227535, MedGen C0346153, MONDO:0016419, OMIM 114480. Disease mechanism: loss of function.

Submission:

Myriad Genetics, Inc.
Classification: Benign for Familial cancer of breast. Last evaluated: 2024-06-05. Review status: criteria provided, single submitter. Criteria: Myriad Autosomal Dominant, Autosomal Recessive and X-Linked Classification Criteria (2023). Collection method: clinical testing. Allele origin: unknown.
Comment: This variant is considered benign. This variant is a silent/synonymous amino acid change and it is not expected to impact splicing.